The following is an entry in ClinVar:

ClinVar aggregate classification (germline): Likely benign. Review status: criteria provided, multiple submitters, no conflicts (2 of 4 stars). 2 submissions from 2 submitters: Likely benign (2). Last evaluated 2024-12-01.

gnomAD v4.1: 2 of 1,613,708 alleles (0.00012%); highest among the groups gnomAD compares: Non-Finnish European, 0.00017%; no homozygotes.

Submissions (2):

CeGaT Center for Human Genetics Tuebingen
Classification: Likely benign. Last evaluated: 2024-12-01. Review status: criteria provided, single submitter. Criteria: CeGaT Center For Human Genetics Tuebingen Variant Classification Criteria Version 2. Collection method: clinical testing. Allele origin: germline. Affected: yes. Observed: 1 variant allele.
Comment: RIPK1: BP4, BP7

Labcorp Genetics (formerly Invitae), Labcorp
Classification: Likely benign. Last evaluated: 2024-05-29. Review status: criteria provided, single submitter. Criteria: Invitae Variant Classification Sherloc (09022015). Collection method: clinical testing. Allele origin: germline.

NM_001354930.2(RIPK1):c.1527C>T (p.Asn509=)

Gene: RIPK1 (receptor interacting serine/threonine kinase 1; plus strand). Cytogenetic location: 6p25.2.
Variant type: single nucleotide variant.
Coding change: c.1527C>T on transcript NM_001354930.2 (MANE Select); coding-DNA position 1527, C replaced by T.
Protein change: p.Asn509=; no amino-acid change (asparagine 509 retained).
Molecular consequence: synonymous variant.
Genome position (GRCh38, 1-based): chr6:3,106,002, C>T. VCF-style: chr6-3106002-C-T. GRCh37 (hg19) VCF-style: chr6-3106236-C-T.
Other names: c.1038C>T, p.Asn346= (NM_001317061.3, NM_001354932.2, NM_001354933.2 and 1 more transcripts); c.1389C>T, p.Asn463= (NM_001354931.2); c.1527C>T, p.Asn509= (NM_003804.6).
Identifiers: ClinVar variation 3669994 (VCV003669994.15).
Genomic context (GRCh38, chr6:3,106,002, plus strand): 5'-GTACAGGCCAATTCCAAGTCATATGCCTAGTCTGCATAATATCCCAGTGCCTGAGACCAA[C>T]TATCTAGGAAATACACCCACCATGCCATTCAGCTCCTTGCCACCAACAGGTAAATGGGTC-3'
Protein context (NP_001341859.1, residues 499-519): SLHNIPVPET[Asn509=]YLGNTPTMPF